The following is an entry in ClinVar:

NM_005422.4(TECTA):c.1352G>A (p.Gly451Asp)

Genes: TBCEL-TECTA (TBCEL-TECTA readthrough; plus strand), TECTA (tectorin alpha; plus strand). Cytogenetic location: 11q23.3.
Variant type: single nucleotide variant.
Coding change: c.1352G>A on transcript NM_005422.4 (MANE Select); coding-DNA position 1352, G replaced by A.
Protein change: p.Gly451Asp; replaces glycine 451 with aspartic acid.
Molecular consequence: missense variant.
Genome position (GRCh38, 1-based): chr11:121,125,450, G>A. VCF-style: chr11-121125450-G-A. GRCh37 (hg19) VCF-style: chr11-120996159-G-A.
Other names: c.2309G>A, p.Gly770Asp (NM_001378761.1); short protein forms G451D, G770D.
Identifiers: ClinVar variation 2813901 (VCV002813901.3), dbSNP rs772777977, ClinGen allele CA383011327.
Genomic context (GRCh38, chr11:121,125,450, plus strand): 5'-CAGATTTTGGGCTCTTAGTGACTTTTGATGGCCAGCACTACGCCTCCATTTCCGTCCCAG[G>A]CTCCTATATAAACTCCACCTGTGGACTCTGTGGAAACTATAATAAAAACCCACTGGATGA-3'
Protein context (NP_005413.2, residues 441-461): GQHYASISVP[Gly451Asp]SYINSTCGLC

ClinVar aggregate classification (germline): Uncertain significance (1 of 4 stars; one submission).

gnomAD v4.1: 1 of 1,614,144 alleles (0.000062%); highest among the groups gnomAD compares: South Asian, 0.0011%; no homozygotes.

Submission:

Labcorp Genetics (formerly Invitae), Labcorp
Classification: Uncertain significance. Last evaluated: 2023-02-22. Review status: criteria provided, single submitter. Criteria: Invitae Variant Classification Sherloc (09022015). Collection method: clinical testing. Allele origin: germline.
Comment: In summary, the available evidence is currently insufficient to determine the role of this variant in disease. Therefore, it has been classified as a Variant of Uncertain Significance. Advanced modeling of protein sequence and biophysical properties (such as structural, functional, and spatial information, amino acid conservation, physicochemical variation, residue mobility, and thermodynamic stability) performed at Invitae indicates that this missense variant is not expected to disrupt TECTA protein function. This variant has not been reported in the literature in individuals affected with TECTA-related conditions. This variant is present in population databases (no rsID available, gnomAD 0.003%). This sequence change replaces glycine, which is neutral and non-polar, with aspartic acid, which is acidic and polar, at codon 451 of the TECTA protein (p.Gly451Asp).